The following is an entry in ClinVar:

ClinVar aggregate classification (germline): Conflicting classifications of pathogenicity. Review status: criteria provided, conflicting classifications (1 of 4 stars). 3 submissions from 3 submitters: Uncertain significance (1); Likely benign (2). Last evaluated 2021-08-27.

Conditions:
Cystic fibrosis (CF). Also called: MUCOVISCIDOSIS. Identifiers: Orphanet 586, MedGen C0010674, MONDO:0009061, OMIM 219700. Disease mechanism: loss of function.

Allele frequency attached by ClinVar (database versions not stated): ExAC 0.00002; gnomAD exomes 0.00001.
gnomAD v4.1: 4 of 1,614,078 alleles (0.00025%); highest among the groups gnomAD compares: East Asian, 0.0089%; no homozygotes.

Submissions (3):

Labcorp Genetics (formerly Invitae), Labcorp
Classification: Uncertain significance for Cystic fibrosis. Last evaluated: 2021-08-27. Review status: criteria provided, single submitter. Criteria: Invitae Variant Classification Sherloc (09022015). Collection method: clinical testing. Allele origin: germline.
Comment: This sequence change replaces arginine with lysine at codon 242 of the CFTR protein (p.Arg242Lys). The arginine residue is weakly conserved and there is a small physicochemical difference between arginine and lysine. This variant is present in population databases (rs758012554, ExAC 0.02%). This variant has not been reported in the literature in individuals affected with CFTR-related conditions. Algorithms developed to predict the effect of missense changes on protein structure and function output the following: SIFT: "Tolerated"; PolyPhen-2: "Benign"; Align-GVGD: "Class C0". The lysine amino acid residue is found in multiple mammalian species, which suggests that this missense change does not adversely affect protein function. In summary, the available evidence is currently insufficient to determine the role of this variant in disease. Therefore, it has been classified as a Variant of Uncertain Significance.

Genome-Nilou Lab
Classification: Likely benign for Cystic fibrosis. Last evaluated: 2021-07-22. Review status: criteria provided, single submitter. Criteria: ACMG Guidelines, 2015. Collection method: clinical testing. Allele origin: germline. Affected: no.

Ambry Genetics
Classification: Likely benign for Cystic fibrosis. Last evaluated: 2019-04-19. Review status: criteria provided, single submitter. Criteria: Ambry Variant Classification Scheme 2023. Collection method: clinical testing. Allele origin: germline.

NM_000492.4(CFTR):c.725G>A (p.Arg242Lys)

Gene: CFTR (CF transmembrane conductance regulator; plus strand). Cytogenetic location: 7q31.2.
Variant type: single nucleotide variant.
Coding change: c.725G>A on transcript NM_000492.4 (MANE Select); coding-DNA position 725, G replaced by A.
Protein change: p.Arg242Lys; replaces arginine 242 with lysine.
Molecular consequence: missense variant.
Genome position (GRCh38, 1-based): chr7:117,535,393, G>A. VCF-style: chr7-117535393-G-A. GRCh37 (hg19) VCF-style: chr7-117175447-G-A.
Other names: short protein forms R242K.
Identifiers: ClinVar variation 826938 (VCV000826938.14), dbSNP rs758012554, ClinGen allele CA4450809.